The following is an entry in ClinVar:

ClinVar aggregate classification (germline): Uncertain significance. Review status: criteria provided, multiple submitters, no conflicts (2 of 4 stars). 2 submissions from 2 submitters: Uncertain significance (2). Last evaluated 2024-11-24.

Conditions:
Inborn genetic diseases. Identifiers: MedGen C0950123, MeSH D030342.
Meckel syndrome, type 11 (MKS11). Identifiers: Orphanet 564, MedGen C3809352, MONDO:0014164, OMIM 615397.
Joubert syndrome 20 (JBTS20). Identifiers: Orphanet 475, MedGen C3554235, MONDO:0013994, OMIM 614970.

Allele frequency attached by ClinVar (database versions not stated): gnomAD exomes 0.00001; ExAC 0.00003; gnomAD 0.00003.

Submissions (2):

Ambry Genetics
Classification: Uncertain significance for Inborn genetic diseases. Last evaluated: 2024-11-24. Review status: criteria provided, single submitter. Criteria: Ambry Variant Classification Scheme 2023. Collection method: clinical testing. Allele origin: germline.

Labcorp Genetics (formerly Invitae), Labcorp
Classification: Uncertain significance for Joubert syndrome 20; Meckel syndrome, type 11. Last evaluated: 2021-03-10. Review status: criteria provided, single submitter. Criteria: Invitae Variant Classification Sherloc (09022015). Collection method: clinical testing. Allele origin: germline.
Comment: In summary, the available evidence is currently insufficient to determine the role of this variant in disease. Therefore, it has been classified as a Variant of Uncertain Significance. Algorithms developed to predict the effect of missense changes on protein structure and function are either unavailable or do not agree on the potential impact of this missense change (SIFT: "Tolerated"; PolyPhen-2: "Not Available"; Align-GVGD: "Class C0"). This sequence change replaces valine with isoleucine at codon 35 of the TMEM231 protein (p.Val35Ile). The valine residue is weakly conserved and there is a small physicochemical difference between valine and isoleucine. This variant is present in population databases (rs769321473, ExAC 0.006%). This variant has not been reported in the literature in individuals with TMEM231-related conditions.

NM_001077418.3(TMEM231):c.41G>A (p.Ser14Asn)

Gene: TMEM231 (transmembrane protein 231; minus strand). Cytogenetic location: 16q23.1.
Variant type: single nucleotide variant.
Coding change: c.41G>A on transcript NM_001077418.3 (MANE Select); coding-DNA position 41, G replaced by A.
Protein change: p.Ser14Asn; replaces serine 14 with asparagine.
Molecular consequence: missense variant. On other transcripts: non-coding transcript variant (1).
Genome position (GRCh38, 1-based): chr16:75,556,169, C>T on the plus strand (G>A on the coding strand, the complement: TMEM231 is on the minus strand). VCF-style: chr16-75556169-C-T. GRCh37 (hg19) VCF-style: chr16-75590067-C-T.
Other names: c.31G>A (NM_001077416.1); c.103G>A, p.Val35Ile (NM_001077416.2); short protein forms S14N, V35I.
Identifiers: ClinVar variation 1444803 (VCV001444803.9), dbSNP rs769321473, ClinGen allele CA8176312.